The following is an entry in ClinVar:

ClinVar aggregate classification (germline): Uncertain significance (1 of 4 stars; one submission).

Allele frequency attached by ClinVar (database versions not stated): gnomAD exomes below 0.00001; TOPMed below 0.00001; gnomAD 0.00001.

Submission:

Ambry Genetics
Classification: Uncertain significance. Last evaluated: 2022-10-03. Review status: criteria provided, single submitter. Criteria: Ambry Variant Classification Scheme 2023. Collection method: clinical testing. Allele origin: germline.
Comment: The p.G74S variant (also known as c.220G>A), located in coding exon 2 of the RRAS gene, results from a G to A substitution at nucleotide position 220. The glycine at codon 74 is replaced by serine, an amino acid with similar properties. This amino acid position is conserved. In addition, the in silico prediction for this alteration is inconclusive. Since supporting evidence is limited at this time, the clinical significance of this alteration remains unclear.

NM_006270.5(RRAS):c.220G>A (p.Gly74Ser)

Gene: RRAS (RAS related; minus strand). Cytogenetic location: 19q13.33.
Variant type: single nucleotide variant.
Coding change: c.220G>A on transcript NM_006270.5 (MANE Select); coding-DNA position 220, G replaced by A.
Protein change: p.Gly74Ser; replaces glycine 74 with serine.
Molecular consequence: missense variant.
Genome position (GRCh38, 1-based): chr19:49,637,064, C>T on the plus strand (G>A on the coding strand, the complement: RRAS is on the minus strand). VCF-style: chr19-49637064-C-T. GRCh37 (hg19) VCF-style: chr19-50140321-C-T.
Other names: short protein forms G74S.
Identifiers: ClinVar variation 1787743 (VCV001787743.2), dbSNP rs1236841019, ClinGen allele CA406847848.
Genomic context (GRCh38, chr19:49,637,064, plus strand): 5'-ACACCACCCCCATCCATCATCCATCCTTGCCGCCCTCACTGTCCAGCCGGGCTGGGATGC[C>T]ATCCACACTGCAGATCTTCGTGTAGGAGTCCTCAATAGTGGGGTCGTAGTCAGACACGAA-3'
Protein context (NP_006261.1, residues 64-84): DSYTKICSVD[Gly74Ser]IPARLDILDT